The following is an entry in ClinVar:

ClinVar aggregate classification (germline): Uncertain significance (1 of 4 stars; one submission).

Conditions:
TSHZ1-related disorder. Also called: TSHZ1-related condition.

gnomAD v4.1: 21 of 1,613,172 alleles (0.0013%); highest among the groups gnomAD compares: East Asian, 0.013%; no homozygotes.

Submission:

PreventionGenetics, part of Exact Sciences
Classification: Uncertain significance for TSHZ1-related condition. Last evaluated: 2026-05-28. Review status: criteria provided, single submitter. Criteria: ACMG Guidelines, 2015. Collection method: clinical testing. Allele origin: germline.
Comment: The TSHZ1 c.82G>A variant is predicted to result in the amino acid substitution p.Gly28Ser. To our knowledge, this variant has not been reported in the literature. This variant is reported in 0.0062% of alleles in individuals of African descent in gnomAD. At this time, the clinical significance of this variant is uncertain due to the absence of conclusive functional and genetic evidence.

NM_001308210.2(TSHZ1):c.217G>A (p.Gly73Ser)

Gene: TSHZ1 (teashirt zinc finger homeobox 1; plus strand). Cytogenetic location: 18q22.3.
Variant type: single nucleotide variant.
Coding change: c.217G>A on transcript NM_001308210.2 (MANE Select); coding-DNA position 217, G replaced by A.
Protein change: p.Gly73Ser; replaces glycine 73 with serine.
Molecular consequence: missense variant.
Genome position (GRCh38, 1-based): chr18:75,285,624, G>A. VCF-style: chr18-75285624-G-A. GRCh37 (hg19) VCF-style: chr18-72997579-G-A.
Other names: c.82G>A, p.Gly28Ser (NM_005786.6); short protein forms G28S, G73S.
Identifiers: ClinVar variation 4989952 (VCV004989952.1).
Genomic context (GRCh38, chr18:75,285,624, plus strand): 5'-ATCAAAGAGGCGCAGAGCTACCAGAACTCCCCAGTCAGCTCTGCGACTAACCAGGACGCC[G>A]GCTACGGGTCGCCCTTCAGTGAGAGCAGCGACCAGCTAGCCCATTTCAAAGGCTCTTCCT-3'
Protein context (NP_001295139.1, residues 63-83): PVSSATNQDA[Gly73Ser]YGSPFSESSD